The following is an entry in ClinVar:

NM_000642.3(AGL):c.3054_3083+34del

Gene: AGL (amylo-alpha-1,6-glucosidase and 4-alpha-glucanotransferase; plus strand). Cytogenetic location: 1p21.2.
Variant type: Deletion.
Coding change: c.3054_3083+34del on transcript NM_000642.3 (MANE Select); coding-DNA position 3054 through 34 bases into the intron after coding-DNA position 3083, 64 bases deleted.
Molecular consequence: splice donor variant.
Genome position (GRCh38, 1-based): chr1:99,891,710-99,891,773, 64 bases deleted. GRCh37 (hg19): chr1:100,357,266-100,357,329.
Other names: c.3054_3083+34del (NM_000028.3, NM_000643.3, NM_000644.3 and 1 more transcripts); c.3006_3035+34del (NM_000646.3); c.3033_3062+34del (NM_001425326.1); c.2853_2882+34del (NM_001425327.1); c.2850_2879+34del (NM_001425328.1); c.2715_2744+34del (NM_001425329.1); c.2676_2705+34del (NM_001425332.1).
Identifiers: ClinVar variation 2850193 (VCV002850193.3), dbSNP rs2524724887, ClinGen allele CA2739272699.

ClinVar aggregate classification (germline): Likely pathogenic (1 of 4 stars; one submission).

Conditions:
Glycogen storage disease type III (GSD3). Also called: Cori disease; FORBES DISEASE. Identifiers: Orphanet 366, MedGen C0017922, MONDO:0009291, OMIM 232400.

Submission:

Labcorp Genetics (formerly Invitae), Labcorp
Classification: Likely pathogenic for Glycogen storage disease type III. Last evaluated: 2023-03-27. Review status: criteria provided, single submitter. Criteria: Invitae Variant Classification Sherloc (09022015). Collection method: clinical testing. Allele origin: germline.
Comment: This variant is not present in population databases (gnomAD no frequency). This variant has not been reported in the literature in individuals affected with AGL-related conditions. Algorithms developed to predict the effect of sequence changes on RNA splicing suggest that this variant may disrupt the consensus splice site. In summary, the currently available evidence indicates that the variant is pathogenic, but additional data are needed to prove that conclusively. Therefore, this variant has been classified as Likely Pathogenic. This variant results in the deletion of part of exon 23 (c.3054_3083+34del ) of the AGL gene. It is expected to disrupt RNA splicing. Variants that disrupt the donor or acceptor splice site typically lead to a loss of protein function (PMID: 16199547), and loss-of-function variants in AGL are known to be pathogenic (PMID: 19299494).

Literature cited by the submitters: PubMed 16199547; PubMed 19299494.